The following is an entry in ClinVar:

ClinVar aggregate classification (germline): Pathogenic (1 of 4 stars; one submission).

Conditions:
Polycystic kidney disease 4 (PKD4). Also called: PKD3; Autosomal Recessive Polycystic Kidney Disease – PKHD1; POLYCYSTIC KIDNEY AND HEPATIC DISEASE 1; POLYCYSTIC KIDNEY DISEASE, INFANTILE, TYPE I; POLYCYSTIC KIDNEY DISEASE 4 WITH OR WITHOUT POLYCYSTIC LIVER DISEASE. Identifiers: MedGen C4540575, MONDO:0033004, OMIM 263200.

Submission:

Myriad Genetics, Inc.
Classification: Pathogenic for Polycystic kidney disease 4. Last evaluated: 2025-08-10. Review status: criteria provided, single submitter. Criteria: Myriad Autosomal Dominant, Autosomal Recessive and X-Linked Classification Criteria (2023). Collection method: clinical testing. Allele origin: unknown.
Comment: NM_138694.3(PKHD1):c.3618delG(S1207Pfs*13) is expected to be pathogenic in the context of autosomal recessive polycystic kidney disease, PKHD1-related. This variant is predicted to lead to an abnormal or absent protein product due to the creation of a premature termination codon in PKHD1, a gene where loss-of-function variants are known to be pathogenic. Please note: this variant was assessed in the context of healthy population screening.

NM_138694.4(PKHD1):c.3618del (p.Ser1207fs)

Gene: PKHD1 (PKHD1 ciliary IPT domain containing fibrocystin/polyductin; minus strand). Cytogenetic location: 6p12.2.
Variant type: Deletion.
Coding change: c.3618del on transcript NM_138694.4 (MANE Select); coding-DNA position 3618, one base deleted (G; older notation c.3618delG).
Protein change: p.Ser1207fs; shifts the reading frame from serine 1207.
Molecular consequence: frameshift variant.
Genome position (GRCh38, 1-based): chr6:52,027,839, C deleted on the plus strand (G on the coding strand, the reverse complement: PKHD1 is on the minus strand); the first of 3 consecutive C bases (chr6:52,027,839-52,027,841); deleting any one gives the same sequence. VCF-style (leftmost placement, unchanged base first): chr6-52027838-AC-A. GRCh37 (hg19) VCF-style: chr6-51892636-AC-A.
Other names: c.3618del, p.Ser1207fs (NM_170724.3); short protein forms S1207fs.
Identifiers: ClinVar variation 5014851 (VCV005014851.1).